The following is an entry in ClinVar:

NM_006206.6(PDGFRA):c.3123-3C>T

Gene: PDGFRA (platelet derived growth factor receptor alpha; plus strand). Cytogenetic location: 4q12.
Variant type: single nucleotide variant.
Coding change: c.3123-3C>T on transcript NM_006206.6 (MANE Select); 3 bases into the intron before coding-DNA position 3123, C replaced by T.
Molecular consequence: intron variant.
Genome position (GRCh38, 1-based): chr4:54,295,122, C>T. VCF-style: chr4-54295122-C-T. GRCh37 (hg19) VCF-style: chr4-55161289-C-T.
Other names: c.3198-3C>T (NM_001347828.2); c.3123-3C>T (NM_001347829.2); c.3162-3C>T (NM_001347830.2).
Identifiers: ClinVar variation 2771170 (VCV002771170.3), dbSNP rs2475578469, ClinGen allele CA2697546706.

ClinVar aggregate classification (germline): Uncertain significance (1 of 4 stars; one submission).

Conditions:
Gastrointestinal stromal tumor. Also called: Gastrointestinal stromal tumor, somatic; Gastrointestinal stroma tumor. Identifiers: Orphanet 44890, MedGen C0238198, MeSH D046152, MONDO:0011719, OMIM 606764, HP:0100723.

Submission:

Labcorp Genetics (formerly Invitae), Labcorp
Classification: Uncertain significance for Gastrointestinal stromal tumor. Last evaluated: 2023-11-10. Review status: criteria provided, single submitter. Criteria: Invitae Variant Classification Sherloc (09022015). Collection method: clinical testing. Allele origin: germline.
Comment: This sequence change falls in intron 22 of the PDGFRA gene. It does not directly change the encoded amino acid sequence of the PDGFRA protein. It affects a nucleotide within the consensus splice site. This variant is not present in population databases (gnomAD no frequency). This variant has not been reported in the literature in individuals affected with PDGFRA-related conditions. Variants that disrupt the consensus splice site are a relatively common cause of aberrant splicing (PMID: 17576681, 9536098). Algorithms developed to predict the effect of sequence changes on RNA splicing suggest that this variant is not likely to affect RNA splicing. In summary, the available evidence is currently insufficient to determine the role of this variant in disease. Therefore, it has been classified as a Variant of Uncertain Significance.

Literature cited by the submitters: PubMed 17576681; PubMed 9536098.